The following is an entry in ClinVar:

NM_001032386.2(SUOX):c.49dup (p.Arg17fs)

Gene: SUOX (sulfite oxidase; plus strand). Cytogenetic location: 12q13.2.
Variant type: Duplication.
Coding change: c.49dup on transcript NM_001032386.2 (MANE Select); coding-DNA position 49, one base duplicated (A; older notation c.49dupA).
Protein change: p.Arg17fs; shifts the reading frame from arginine 17.
Molecular consequence: frameshift variant.
Genome position (GRCh38, 1-based): chr12:56,002,270, A duplicated. VCF-style (leftmost placement, unchanged base first): chr12-56002269-C-CA. GRCh37 (hg19) VCF-style: chr12-56396053-C-CA.
Other names: c.49dup, p.Arg17fs (NM_000456.3, NM_001032387.2); short protein forms R17fs.
Identifiers: ClinVar variation 2840154 (VCV002840154.3), dbSNP rs2540573705, ClinGen allele CA2739272131.
Genomic context (GRCh38, chr12:56,002,269, plus strand): 5'-CAGGTCTGCTACAATGCTGCTGCTGCACAGAGCTGTGGTCCTCAGGCTCCAACAGGCCTG[C>CA]AGGTAGGCCAGCCCATCCCAGGACTTGCCTCCTAGCCCCTATCTGCCACCCTTAGTGTCT-3'

ClinVar aggregate classification (germline): Pathogenic (1 of 4 stars; one submission).

Conditions:
Sulfite oxidase deficiency. Also called: Isolated sulfite oxidase deficiency. Identifiers: Orphanet 833, Orphanet 99731, MedGen C0268624, MONDO:0010089, OMIM 272300, HP:0003643.

Submission:

Labcorp Genetics (formerly Invitae), Labcorp
Classification: Pathogenic for Sulfite oxidase deficiency. Last evaluated: 2023-02-23. Review status: criteria provided, single submitter. Criteria: Invitae Variant Classification Sherloc (09022015). Collection method: clinical testing. Allele origin: germline.
Comment: For these reasons, this variant has been classified as Pathogenic. This variant has not been reported in the literature in individuals affected with SUOX-related conditions. This variant is not present in population databases (gnomAD no frequency). This sequence change creates a premature translational stop signal (p.Arg17Lysfs*18) in the SUOX gene. It is expected to result in an absent or disrupted protein product. Loss-of-function variants in SUOX are known to be pathogenic (PMID: 1212661, 9600976, 15952210, 32978145).

Literature cited by the submitters: PubMed 1212661; PubMed 9600976; PubMed 15952210; PubMed 32978145.